The following is an entry in ClinVar:

NM_002294.3(LAMP2):c.1037del (p.Asn346fs)

Gene: LAMP2 (lysosome associated membrane protein 2; minus strand). Cytogenetic location: Xq24.
Variant type: Deletion.
Coding change: c.1037del on transcript NM_002294.3 (MANE Select); coding-DNA position 1037, one base deleted (A; older notation c.1037delA).
Protein change: p.Asn346fs; shifts the reading frame from asparagine 346.
Molecular consequence: frameshift variant.
Genome position (GRCh38, 1-based): chrX:120,441,786, T deleted on the plus strand (A on the coding strand, the reverse complement: LAMP2 is on the minus strand); the first of 3 consecutive T bases (chrX:120,441,786-120,441,788); deleting any one gives the same sequence. VCF-style (leftmost placement, unchanged base first): chrX-120441785-AT-A. GRCh37 (hg19) VCF-style: chrX-119575640-AT-A.
Other names: c.1037del, p.Asn346fs (NM_001122606.1, NM_013995.2); short protein forms N346fs.
Identifiers: ClinVar variation 849608 (VCV000849608.9), dbSNP rs2058573264, ClinGen allele CA916082505.

ClinVar aggregate classification (germline): Pathogenic (1 of 4 stars; one submission).

Conditions:
Danon disease. Also called: PSEUDOGLYCOGENOSIS II; GSD IIb; LYSOSOMAL GLYCOGEN STORAGE DISEASE WITHOUT ACID MALTASE DEFICIENCY; ANTOPOL DISEASE; Glycogen Storage Disease Type IIb. Identifiers: Orphanet 34587, MedGen C0878677, MONDO:0010281, OMIM 300257.

Submission:

Labcorp Genetics (formerly Invitae), Labcorp
Classification: Pathogenic for Danon disease. Last evaluated: 2019-12-04. Review status: criteria provided, single submitter. Criteria: Invitae Variant Classification Sherloc (09022015). Collection method: clinical testing. Allele origin: germline.
Comment: For these reasons, this variant has been classified as Pathogenic. This variant disrupts the C-terminus of the LAMP2 protein. Other variant(s) that disrupt this region (p.Lys361Serfs*19) have been determined to be pathogenic (PMID: 17899313). This suggests that variants that disrupt this region of the protein are likely to be causative of disease. This variant has not been reported in the literature in individuals with LAMP2-related conditions. This variant is not present in population databases (ExAC no frequency). This sequence change results in a premature translational stop signal in the LAMP2 gene (p.Asn346Ilefs*5). While this is not anticipated to result in nonsense mediated decay, it is expected to disrupt the last 65 amino acids of the LAMP2 protein.

Literature cited by the submitters: PubMed 17899313.